The following is an entry in ClinVar:

ClinVar aggregate classification (germline): Uncertain significance (1 of 4 stars; one submission).

Conditions:
Autosomal dominant polycystic kidney disease. Identifiers: Orphanet 730, MedGen C0085413, MONDO:0004691.

Submission:

Labcorp Genetics (formerly Invitae), Labcorp
Classification: Uncertain significance for Autosomal dominant polycystic kidney disease. Last evaluated: 2023-12-28. Review status: criteria provided, single submitter. Criteria: Invitae Variant Classification Sherloc (09022015). Collection method: clinical testing. Allele origin: germline.
Comment: This sequence change replaces asparagine, which is neutral and polar, with lysine, which is basic and polar, at codon 245 of the PKD2 protein (p.Asn245Lys). This variant is not present in population databases (gnomAD no frequency). This variant has not been reported in the literature in individuals affected with PKD2-related conditions. Advanced modeling of protein sequence and biophysical properties (such as structural, functional, and spatial information, amino acid conservation, physicochemical variation, residue mobility, and thermodynamic stability) performed at Invitae indicates that this missense variant is not expected to disrupt PKD2 protein function with a negative predictive value of 80%. In summary, the available evidence is currently insufficient to determine the role of this variant in disease. Therefore, it has been classified as a Variant of Uncertain Significance.

NM_000297.4(PKD2):c.735T>G (p.Asn245Lys)

Gene: PKD2 (polycystin 2, transient receptor potential cation channel; plus strand). Cytogenetic location: 4q22.1.
Variant type: single nucleotide variant.
Coding change: c.735T>G on transcript NM_000297.4 (MANE Select); coding-DNA position 735, T replaced by G.
Protein change: p.Asn245Lys; replaces asparagine 245 with lysine.
Molecular consequence: missense variant. On other transcripts: non-coding transcript variant (1).
Genome position (GRCh38, 1-based): chr4:88,036,245, T>G. VCF-style: chr4-88036245-T-G. GRCh37 (hg19) VCF-style: chr4-88957397-T-G.
Other names: short protein forms N245K.
Identifiers: ClinVar variation 2706214 (VCV002706214.3), dbSNP rs1256855393, ClinGen allele CA357631047.
Genomic context (GRCh38, chr4:88,036,245, plus strand): 5'-CTTGGGGCGTTCATTTGGATCTTTCTGTGTTCCAGTGACCTACGGCATGATGAGCTCCAA[T>G]GTGTACTACTACACCCGGATGATGTCACAGCTCTTCCTAGACACCCCCGTGTCCAAAACG-3'
Protein context (NP_000288.1, residues 235-255): CILTYGMMSS[Asn245Lys]VYYYTRMMSQ